The following is an entry in ClinVar:

ClinVar aggregate classification (germline): Benign (1 of 4 stars; one submission).

Allele frequency attached by ClinVar (database versions not stated): 1000 Genomes Project 30x 0.05434; 1000 Genomes Project 0.05551; TOPMed 0.06616; gnomAD 0.06719 and 0.06761.
gnomAD v4.1: 10,316 of 152,250 alleles (6.8%); highest among the groups gnomAD compares: Non-Finnish European, 9.6%; 415 homozygotes.

Submission:

GeneDx
Classification: Benign. Last evaluated: 2018-06-14. Review status: criteria provided, single submitter. Criteria: GeneDx Variant Classification (06012015). Collection method: clinical testing. Allele origin: germline. Affected: yes.
Comment: This variant is considered likely benign or benign based on one or more of the following criteria: it is a conservative change, it occurs at a poorly conserved position in the protein, it is predicted to be benign by multiple in silico algorithms, and/or has population frequency not consistent with disease.

NM_001035.3(RYR2):c.10555-335A>C

Gene: RYR2 (ryanodine receptor 2; plus strand). Cytogenetic location: 1q43.
Variant type: single nucleotide variant.
Coding change: c.10555-335A>C on transcript NM_001035.3 (MANE Select); 335 bases into the intron before coding-DNA position 10555, A replaced by C.
Molecular consequence: intron variant.
Genome position (GRCh38, 1-based): chr1:237,722,793, A>C. VCF-style: chr1-237722793-A-C. GRCh37 (hg19) VCF-style: chr1-237886093-A-C.
Identifiers: ClinVar variation 669598 (VCV000669598.1), dbSNP rs75160509, ClinGen allele CA10958880.